The following is an entry in ClinVar:

ClinVar aggregate classification (germline): Uncertain significance. Review status: criteria provided, multiple submitters, no conflicts (2 of 4 stars). 2 submissions from 2 submitters: Uncertain significance (2). Last evaluated 2024-08-21.

Conditions:
Proteinuria, chronic benign. Identifiers: MedGen C5394384, MONDO:0030042, OMIM 618884.
Imerslund-Grasbeck syndrome type 1 (IGS1). Also called: Megaloblastic anemia 1, Finnish type; Imerslund-Gräsbeck syndrome 1; MEGALOBLASTIC ANEMIA, 1. Identifiers: MedGen C4016819, MONDO:0100156, OMIM 261100.
Imerslund-Grasbeck syndrome. Also called: Imerslund-Gräsbeck syndrome; ENTEROCYTE COBALAMIN MALABSORPTION; ENTEROCYTE INTRINSIC FACTOR RECEPTOR, DEFECT OF; PERNICIOUS ANEMIA, JUVENILE, DUE TO SELECTIVE INTESTINAL MALABSORPTION OF VITAMIN B12, WITH PROTEINURIA; Megaloblastic anemia due to inborn errors of metabolism. Identifiers: Orphanet 35858, MedGen C4551825, MONDO:0009853.

Allele frequency attached by ClinVar (database versions not stated): gnomAD 0.00005 and 0.00004; TOPMed 0.00011; ExAC 0.00005; gnomAD exomes 0.00002 and 0.00004; 1000 Genomes Project 30x 0.00016; 1000 Genomes Project 0.00020.
gnomAD v4.1: 33 of 1,613,202 alleles (0.002%); highest among the groups gnomAD compares: South Asian, 0.018%; no homozygotes.

Submissions (2):

Labcorp Genetics (formerly Invitae), Labcorp
Classification: Uncertain significance for Imerslund-Grasbeck syndrome. Last evaluated: 2024-08-21. Review status: criteria provided, single submitter. Criteria: Invitae Variant Classification Sherloc (09022015). Collection method: clinical testing. Allele origin: germline.
Comment: This sequence change replaces serine, which is neutral and polar, with leucine, which is neutral and non-polar, at codon 3293 of the CUBN protein (p.Ser3293Leu). The frequency data for this variant in the population databases is considered unreliable, as metrics indicate poor data quality at this position in the gnomAD database. This variant has not been reported in the literature in individuals affected with CUBN-related conditions. ClinVar contains an entry for this variant (Variation ID: 1023962). Invitae Evidence Modeling of protein sequence and biophysical properties (such as structural, functional, and spatial information, amino acid conservation, physicochemical variation, residue mobility, and thermodynamic stability) indicates that this missense variant is expected to disrupt CUBN protein function with a positive predictive value of 80%. In summary, the available evidence is currently insufficient to determine the role of this variant in disease. Therefore, it has been classified as a Variant of Uncertain Significance.

Fulgent Genetics
Classification: Uncertain significance for Imerslund-Grasbeck syndrome type 1; Proteinuria, chronic benign. Last evaluated: 2024-01-09. Review status: criteria provided, single submitter. Criteria: ACMG Guidelines, 2015. Collection method: clinical testing. Allele origin: germline.

NM_001081.4(CUBN):c.9878C>T (p.Ser3293Leu)

Gene: CUBN (cubilin; minus strand). Cytogenetic location: 10p13.
Variant type: single nucleotide variant.
Coding change: c.9878C>T on transcript NM_001081.4 (MANE Select); coding-DNA position 9878, C replaced by T.
Protein change: p.Ser3293Leu; replaces serine 3293 with leucine.
Molecular consequence: missense variant.
Genome position (GRCh38, 1-based): chr10:16,840,484, G>A on the plus strand (C>T on the coding strand, the complement: CUBN is on the minus strand). VCF-style: chr10-16840484-G-A. GRCh37 (hg19) VCF-style: chr10-16882483-G-A.
Other names: short protein forms S3293L.
Identifiers: ClinVar variation 1023962 (VCV001023962.7), dbSNP rs566296480, ClinGen allele CA5422554.